The following is an entry in ClinVar:

NM_000222.3(KIT):c.349C>A (p.Leu117Ile)

Gene: KIT (KIT proto-oncogene, receptor tyrosine kinase; plus strand). Cytogenetic location: 4q12.
Variant type: single nucleotide variant.
Coding change: c.349C>A on transcript NM_000222.3 (MANE Select); coding-DNA position 349, C replaced by A.
Protein change: p.Leu117Ile; replaces leucine 117 with isoleucine.
Molecular consequence: missense variant.
Genome position (GRCh38, 1-based): chr4:54,698,295, C>A. VCF-style: chr4-54698295-C-A. GRCh37 (hg19) VCF-style: chr4-55564461-C-A.
Other names: c.349C>A, p.Leu117Ile (NM_001093772.2, NM_001385284.1, NM_001385285.1 and 4 more transcripts); short protein forms L117I.
Identifiers: ClinVar variation 409743 (VCV000409743.18), dbSNP rs189660852, ClinGen allele CA2923229.

ClinVar aggregate classification (germline): Conflicting classifications of pathogenicity. Review status: criteria provided, conflicting classifications (1 of 4 stars). 6 submissions from 6 submitters: Uncertain significance (3); Benign (1); Likely benign (2). Last evaluated 2026-07-21.

Conditions:
KIT-related disorder. Also called: KIT-related condition.
Hereditary cancer-predisposing syndrome. Also called: Neoplastic Syndromes, Hereditary; Tumor predisposition; Hereditary Cancer Syndrome; Hereditary neoplastic syndrome. Identifiers: Orphanet 140162, MedGen C0027672, MeSH D009386, MONDO:0015356.
Gastrointestinal stromal tumor. Also called: Gastrointestinal stroma tumor; Gastrointestinal stromal tumor, somatic. Identifiers: Orphanet 44890, MedGen C0238198, MeSH D046152, MONDO:0011719, OMIM 606764, HP:0100723.

Allele frequency attached by ClinVar (database versions not stated): ExAC 0.00003; gnomAD 0.00003 and 0.00004; TOPMed 0.00004; gnomAD exomes 0.00006 and 0.00008; 1000 Genomes Project 30x 0.00016; 1000 Genomes Project 0.00020.
gnomAD v4.1: 119 of 1,613,844 alleles (0.0074%); highest among the groups gnomAD compares: Non-Finnish European, 0.0092%; no homozygotes.

Submissions (6):

PreventionGenetics, part of Exact Sciences
Classification: Uncertain significance for KIT-related condition. Last evaluated: 2026-07-21. Review status: criteria provided, single submitter. Criteria: ACMG Guidelines, 2015. Collection method: clinical testing. Allele origin: germline.
Comment: The KIT c.349C>A variant is predicted to result in the amino acid substitution p.Leu117Ile. This variant has been reported in an individual with melanoma (Bourillon et al. 2013. PubMed ID: 23020152). This variant is reported in 0.014% of alleles in individuals of European (Non-Finnish) descent in gnomAD and has conflicting interpretations in ClinVar, ranging from uncertain to benign (Variation ID: 409743). At this time, the clinical significance of this variant is uncertain due to the absence of conclusive functional and genetic evidence.

Myriad Genetics, Inc.
Classification: Likely benign for Gastrointestinal stromal tumor. Last evaluated: 2026-05-26. Review status: criteria provided, single submitter. Criteria: Myriad Autosomal Dominant, Autosomal Recessive and X-Linked Classification Criteria (2023). Collection method: clinical testing. Allele origin: unknown.
Comment: This variant is considered likely benign. This variant has been observed at a population frequency that is significantly greater than expected given the associated disease prevalence and penetrance.

Labcorp Genetics (formerly Invitae), Labcorp
Classification: Uncertain significance for Gastrointestinal stromal tumor. Last evaluated: 2026-01-26. Review status: criteria provided, single submitter. Criteria: Invitae Variant Classification Sherloc (09022015). Collection method: clinical testing. Allele origin: germline.
Comment: This sequence change replaces leucine, which is neutral and non-polar, with isoleucine, which is neutral and non-polar, at codon 117 of the KIT protein (p.Leu117Ile). This variant is present in population databases (rs189660852, gnomAD 0.02%). This missense change has been observed in individual(s) with melanoma (PMID: 23020152). ClinVar contains an entry for this variant (Variation ID: 409743). An algorithm developed to predict the effect of missense changes on protein structure and function (PolyPhen-2) suggests that this variant is likely to be disruptive. Experimental studies have shown that this missense change does not substantially affect KIT function (PMID: 23020152). In summary, the available evidence is currently insufficient to determine the role of this variant in disease. Therefore, it has been classified as a Variant of Uncertain Significance.

Ambry Genetics
Classification: Benign for Hereditary cancer-predisposing syndrome. Last evaluated: 2024-07-08. Review status: criteria provided, single submitter. Criteria: Ambry Variant Classification Scheme 2023. Collection method: clinical testing. Allele origin: germline.

Blueprint Genetics
Classification: Likely benign. Last evaluated: 2023-06-19. Review status: criteria provided, single submitter. Criteria: ACMG Guidelines, 2015. Collection method: clinical testing. Allele origin: germline.

Laboratorio de Genetica e Diagnostico Molecular, Hospital Israelita Albert Einstein
Classification: Uncertain significance. Last evaluated: 2022-01-04. Review status: criteria provided, single submitter. Criteria: ACMG Guidelines, 2015. Collection method: clinical testing. Allele origin: germline. Affected: yes.
Comment: ACMG classification criteria: BP4

Literature cited by the submitters: PubMed 23020152 (cited by Labcorp Genetics (formerly Invitae), Labcorp).